The following is an entry in ClinVar:

NM_000525.4(KCNJ11):c.1062C>T (p.Ser354=)

Gene: KCNJ11 (potassium inwardly rectifying channel subfamily J member 11; minus strand). Cytogenetic location: 11p15.1.
Variant type: single nucleotide variant.
Coding change: c.1062C>T on transcript NM_000525.4 (MANE Select); coding-DNA position 1062, C replaced by T.
Protein change: p.Ser354=; no amino-acid change (serine 354 retained).
Molecular consequence: synonymous variant.
Genome position (GRCh38, 1-based): chr11:17,387,030, G>A on the plus strand (C>T on the coding strand, the complement: KCNJ11 is on the minus strand). VCF-style: chr11-17387030-G-A. GRCh37 (hg19) VCF-style: chr11-17408577-G-A.
Other names: c.801C>T, p.Ser267= (NM_001166290.2, NM_001377296.1, NM_001377297.1).
Identifiers: ClinVar variation 723182 (VCV000723182.4), dbSNP rs1591694628, ClinGen allele CA473515152.

ClinVar aggregate classification (germline): Conflicting classifications of pathogenicity. Review status: criteria provided, conflicting classifications (1 of 4 stars). 2 submissions from 2 submitters: Uncertain significance (1); Likely benign (1). Last evaluated 2017-10-05.

Conditions:
Maturity-onset diabetes of the young (MODY). Also called: Maturity onset diabetes mellitus in young. Identifiers: Orphanet 552, MedGen C0342276, MONDO:0018911, HP:0004904.

Allele frequency attached by ClinVar (database versions not stated): gnomAD exomes below 0.00001.

Submissions (2):

Labcorp Genetics (formerly Invitae), Labcorp
Classification: Likely benign. Last evaluated: 2017-10-05. Review status: criteria provided, single submitter. Criteria: Invitae Variant Classification Sherloc (09022015). Collection method: clinical testing. Allele origin: germline.

Clinical Genomics, Uppaluri K&H Personalized Medicine Clinic
Classification: Uncertain significance for Maturity-onset diabetes of the young. Review status: criteria provided, single submitter. Criteria: K & H Uppaluri Personalized Medicine Clinic Variant Classification & Assertion Criteria_Updated V.1. Collection method: research. Allele origin: somatic. Inheritance: Autosomal dominant inheritance.
Comment: Mutations in KCNJ11 gene can cause decreased production and secretion of insulin. This can lead to MODY which may be responsive to oral sulfonylureas. It is also associated with Neonatal Diabetes. However, no sufficient evidence is found to ascertain the role of this particular variant (rs1591694628 ) in MODY yet.

Literature cited by the submitters: PubMed 26448950 (cited by Clinical Genomics, Uppaluri K&H Personalized Medicine Clinic); PubMed 15580558 (cited by Clinical Genomics, Uppaluri K&H Personalized Medicine Clinic); PubMed 15718250 (cited by Clinical Genomics, Uppaluri K&H Personalized Medicine Clinic); PubMed 32935446 (cited by Clinical Genomics, Uppaluri K&H Personalized Medicine Clinic); PubMed 22701567 (cited by Clinical Genomics, Uppaluri K&H Personalized Medicine Clinic).